The following is an entry in ClinVar:

ClinVar aggregate classification (germline): Uncertain significance. Review status: criteria provided, multiple submitters, no conflicts (2 of 4 stars). 2 submissions from 2 submitters: Uncertain significance (2). Last evaluated 2018-01-13.

Conditions:
3M syndrome 1. Also called: 3-M Syndrome, CUL7-Related. Identifiers: Orphanet 2616, MedGen C2678312, MONDO:0010117, OMIM 273750.

Allele frequency attached by ClinVar (database versions not stated): gnomAD exomes 0.00002 and 0.00008; gnomAD 0.00004; TOPMed 0.00005; ExAC 0.00007.

Submissions (3):

Illumina Laboratory Services, Illumina
Classification: Uncertain significance for 3M syndrome 1. Last evaluated: 2018-01-13. Review status: criteria provided, single submitter. Criteria: ICSL Variant Classification Criteria 13 December 2019. Collection method: clinical testing. Allele origin: germline.

Juno Genomics, Hangzhou Juno Genomics, Inc
Classification: Uncertain significance for 3M syndrome 1. Review status: criteria provided, single submitter. Criteria: ACMG Guidelines, 2015. Collection method: clinical testing. Allele origin: germline.
Comment: Absent from controls (or at extremely low frequency if recessive) in Genome Aggregation Database.;Multiple lines of computational evidence support a deleterious effect on the gene or gene product.

Dr. Peter K. Rogan Lab, Western University
No classification provided (evidence only). Condition: Thymoma. Review status: no classification provided. Collection method: in vitro. Allele origin: not applicable. Functional consequence: retained intron. Not counted in ClinVar's aggregate classification.

NM_014780.5(CUL7):c.3491G>A (p.Arg1164Gln)

Gene: CUL7 (cullin 7; minus strand). Cytogenetic location: 6p21.1.
Variant type: single nucleotide variant.
Coding change: c.3491G>A on transcript NM_014780.5 (MANE Select); coding-DNA position 3491, G replaced by A.
Protein change: p.Arg1164Gln; replaces arginine 1164 with glutamine.
Molecular consequence: missense variant.
Genome position (GRCh38, 1-based): chr6:43,042,956, C>T on the plus strand (G>A on the coding strand, the complement: CUL7 is on the minus strand). VCF-style: chr6-43042956-C-T. GRCh37 (hg19) VCF-style: chr6-43010694-C-T.
Other names: NC_000006.11:g.43010694C>T; c.3587G>A, p.Arg1196Gln (NM_001168370.2, NM_001374872.1); c.3491G>A, p.Arg1164Gln (NM_001374873.1); c.3488G>A, p.Arg1163Gln (NM_001374874.1); short protein forms R1163Q, R1164Q, R1196Q.
Identifiers: ClinVar variation 909291 (VCV000909291.7), dbSNP rs764000209, ClinGen allele CA3813460.